The following is an entry in ClinVar:

NM_001429.4(EP300):c.1868C>T (p.Ala623Val)

Gene: EP300 (EP300 lysine acetyltransferase; plus strand). Cytogenetic location: 22q13.2.
Variant type: single nucleotide variant.
Coding change: c.1868C>T on transcript NM_001429.4 (MANE Select); coding-DNA position 1868, C replaced by T.
Protein change: p.Ala623Val; replaces alanine 623 with valine.
Molecular consequence: missense variant.
Genome position (GRCh38, 1-based): chr22:41,140,247, C>T. VCF-style: chr22-41140247-C-T. GRCh37 (hg19) VCF-style: chr22-41536251-C-T.
Other names: c.1868C>T, p.Ala623Val (NM_001362843.2); short protein forms A623V.
Identifiers: ClinVar variation 5001691 (VCV005001691.1).

ClinVar aggregate classification (germline): Uncertain significance (1 of 4 stars; one submission).

Conditions:
EP300-related disorder. Also called: EP300-related condition; EP300-related disorders.

Submission:

PreventionGenetics, part of Exact Sciences
Classification: Uncertain significance for EP300-related condition. Last evaluated: 2025-06-25. Review status: criteria provided, single submitter. Criteria: ACMG Guidelines, 2015. Collection method: clinical testing. Allele origin: germline.
Comment: The EP300 c.1868C>T variant is predicted to result in the amino acid substitution p.Ala623Val. To our knowledge, this variant has not been reported in the literature or in a large population database (gnomAD), indicating this variant is rare. At this time, the clinical significance of this variant is uncertain due to the absence of conclusive functional and genetic evidence.